The following is an entry in ClinVar:

NM_000439.5(PCSK1):c.1071C>T (p.Ser357=)

Genes: CAST (calpastatin; plus strand), PCSK1 (proprotein convertase subtilisin/kexin type 1; minus strand), LOC101929710 (uncharacterized LOC101929710; plus strand). Cytogenetic location: 5q15.
Variant type: single nucleotide variant.
Coding change: c.1071C>T on transcript NM_000439.5 (MANE Select); coding-DNA position 1071, C replaced by T.
Protein change: p.Ser357=; no amino-acid change (serine 357 retained).
Molecular consequence: synonymous variant.
Genome position (GRCh38, 1-based): chr5:96,410,798, G>A on the plus strand (C>T on the coding strand, the complement: PCSK1 is on the minus strand). VCF-style: chr5-96410798-G-A. GRCh37 (hg19) VCF-style: chr5-95746502-G-A.
Other names: c.930C>T, p.Ser310= (NM_001177875.2).
Identifiers: ClinVar variation 712066 (VCV000712066.14), dbSNP rs142840946, ClinGen allele CA3350314.
Genomic context (GRCh38, chr5:96,410,798, plus strand): 5'-TAACTAAGCAGAGAGAATTAGACAAAAGCAACATACGATTCTCTGGTCGGTGTAATCTCC[G>A]CTGCTGTAAGAGGTGGCCAGTGTGGAGGAGCACTTCTCAGCGTACCAGGGGGATAGGCCT-3'
Protein context (NP_000430.3, residues 347-367): CSSTLATSYS[Ser357=]GDYTDQRITS

ClinVar aggregate classification (germline): Conflicting classifications of pathogenicity. Review status: criteria provided, conflicting classifications (1 of 4 stars). 3 submissions from 3 submitters: Uncertain significance (1); Likely benign (2). Last evaluated 2025-06-29.

Conditions:
Obesity due to prohormone convertase I deficiency. Also called: OBESITY AND ENDOCRINOPATHY DUE TO IMPAIRED PROCESSING OF PROHORMONES. Identifiers: Orphanet 71528, MedGen C1833053, MONDO:0010961, OMIM 600955.

Allele frequency attached by ClinVar (database versions not stated): gnomAD 0.00021 and 0.00022; gnomAD exomes 0.00023 and 0.00026; TOPMed 0.00026; ExAC 0.00031; ESP Exome Variant Server 0.00054.
gnomAD v4.1: 355 of 1,613,960 alleles (0.022%); highest among the groups gnomAD compares: Admixed American, 0.042%; no homozygotes.

Submissions (3):

Labcorp Genetics (formerly Invitae), Labcorp
Classification: Likely benign. Last evaluated: 2025-06-29. Review status: criteria provided, single submitter. Criteria: Invitae Variant Classification Sherloc (09022015). Collection method: clinical testing. Allele origin: germline.

Blueprint Genetics
Classification: Likely benign. Last evaluated: 2024-11-19. Review status: criteria provided, single submitter. Criteria: ACMG Guidelines, 2015. Collection method: clinical testing. Allele origin: germline.

Illumina Laboratory Services, Illumina
Classification: Uncertain significance for Obesity due to prohormone convertase I deficiency. Last evaluated: 2017-04-27. Review status: criteria provided, single submitter. Criteria: ICSL Variant Classification Criteria 13 December 2019. Collection method: clinical testing. Allele origin: germline.
Comment: This variant was observed as part of a predisposition screen in an ostensibly healthy population. A literature search was performed for the gene, cDNA change, and amino acid change (where applicable). Publications were found based on this search. However, the evidence from the literature, in combination with allele frequency data from public databases where available, was not sufficient to rule this variant in or out of causing disease. Therefore, this variant is classified as a variant of unknown significance.

Literature cited by the submitters: PubMed 27187081 (cited by Illumina Laboratory Services, Illumina); PubMed 24932808 (cited by Illumina Laboratory Services, Illumina).